The following is an entry in ClinVar:

ClinVar aggregate classification (germline): Uncertain significance. Review status: criteria provided, multiple submitters, no conflicts (2 of 4 stars). 2 submissions from 2 submitters: Uncertain significance (2). Last evaluated 2026-07-06.

Conditions:
Acute myeloid leukemia (AML). Also called: Leukemia, acute myeloid, somatic; Leukemia, acute myelogenous, somatic; Acute myeloid leukemia, adult; AML adult; Acute non-lymphocytic leukemia; Acute granulocytic leukemia. Identifiers: Orphanet 519, MedGen C0023467, MeSH D015470, MONDO:0018874, OMIM 601626, HP:0004808. Disease mechanism: Constitutively activated FLT3.
Inborn genetic diseases. Identifiers: MedGen C0950123, MeSH D030342.

Submissions (2):

Ambry Genetics
Classification: Uncertain significance for Inborn genetic diseases. Last evaluated: 2026-07-06. Review status: criteria provided, single submitter. Criteria: Ambry Variant Classification Scheme 2023. Collection method: clinical testing. Allele origin: germline.
Comment: The p.P70Q variant (also known as c.209C>A), located in coding exon 1 of the CEBPA gene, results from a C to A substitution at nucleotide position 209. The proline at codon 70 is replaced by glutamine, an amino acid with similar properties. This amino acid position is conserved. In addition, this alteration is predicted to be tolerated by in silico analysis. Based on the available evidence, the clinical significance of this variant remains unclear.

Labcorp Genetics (formerly Invitae), Labcorp
Classification: Uncertain significance for Acute myeloid leukemia. Last evaluated: 2021-09-23. Review status: criteria provided, single submitter. Criteria: Invitae Variant Classification Sherloc (09022015). Collection method: clinical testing. Allele origin: germline.
Comment: This sequence change replaces proline with glutamine at codon 70 of the CEBPA protein (p.Pro70Gln). The proline residue is moderately conserved and there is a moderate physicochemical difference between proline and glutamine. The frequency data for this variant in the population databases is considered unreliable, as metrics indicate insufficient coverage at this position in the ExAC database. This variant has not been reported in the literature in individuals affected with CEBPA-related conditions. Algorithms developed to predict the effect of missense changes on protein structure and function are either unavailable or do not agree on the potential impact of this missense change (SIFT: "Tolerated"; PolyPhen-2: "Probably Damaging"; Align-GVGD: "Class C0"). In summary, the available evidence is currently insufficient to determine the role of this variant in disease. Therefore, it has been classified as a Variant of Uncertain Significance.

NM_004364.5(CEBPA):c.209C>A (p.Pro70Gln)

Gene: CEBPA (CCAAT enhancer binding protein alpha; minus strand). Cytogenetic location: 19q13.11.
Variant type: single nucleotide variant.
Coding change: c.209C>A on transcript NM_004364.5 (MANE Select); coding-DNA position 209, C replaced by A.
Protein change: p.Pro70Gln; replaces proline 70 with glutamine.
Molecular consequence: missense variant. On other transcripts: 5 prime UTR variant (1).
Genome position (GRCh38, 1-based): chr19:33,302,206, G>T on the plus strand (C>A on the coding strand, the complement: CEBPA is on the minus strand). VCF-style: chr19-33302206-G-T. GRCh37 (hg19) VCF-style: chr19-33793112-G-T.
Other names: c.-149C>A (NM_001285829.2); c.314C>A, p.Pro105Gln (NM_001287424.2); c.167C>A, p.Pro56Gln (NM_001287435.2); c.209C>A (NM_004364.3); short protein forms P105Q, P56Q, P70Q.
Identifiers: ClinVar variation 1520776 (VCV001520776.7), dbSNP rs1600023907, ClinGen allele CA405275442.